The following is an entry in ClinVar:

ClinVar aggregate classification (germline): Pathogenic. Review status: reviewed by expert panel (3 of 4 stars). 3 submissions from 3 submitters: Pathogenic (1). 2 of the submissions do not count toward it. Last evaluated 2016-10-18.

Conditions:
Breast-ovarian cancer, familial, susceptibility to, 1 (BROVCA1). Also called: BRCA1 Hereditary Breast and Ovarian Cancer; OVARIAN CANCER, SUSCEPTIBILITY TO. Identifiers: Orphanet 145, MedGen C2676676, MONDO:0011450, OMIM 604370. Disease mechanism: loss of function.

Submissions (3):

Evidence-based Network for the Interpretation of Germline Mutant Alleles (ENIGMA)
Classification: Pathogenic for Breast-ovarian cancer, familial, susceptibility to, 1. Last evaluated: 2016-10-18. Review status: reviewed by expert panel. Criteria: ENIGMA BRCA1/2 Classification Criteria (2015). Collection method: curation. Allele origin: germline.
Comment: Variant allele predicted to encode a truncated non-functional protein.

Consortium of Investigators of Modifiers of BRCA1/2 (CIMBA), c/o University of Cambridge
Classification: Pathogenic for Breast-ovarian cancer, familial, susceptibility to, 1. Last evaluated: 2015-10-02. Review status: criteria provided, single submitter. Criteria: CIMBA Mutation Classification guidelines May 2016. Collection method: clinical testing. Allele origin: germline. Not counted in ClinVar's aggregate classification.

BRCAlab, Lund University
Classification: Pathogenic for Breast-ovarian cancer, familial, susceptibility to, 1. Last evaluated: 2020-03-02. Review status: no assertion criteria provided. Collection method: clinical testing. Allele origin: germline. Affected: yes. Not counted in ClinVar's aggregate classification.

NM_007294.4(BRCA1):c.2906_2908delinsCT (p.Asn969fs)

Gene: BRCA1 (BRCA1 DNA repair associated; minus strand). Cytogenetic location: 17q21.31.
Variant type: Indel.
Coding change: c.2906_2908delinsCT on transcript NM_007294.4 (MANE Select); coding-DNA positions 2906 to 2908, ATA replaced by CT.
Protein change: p.Asn969fs; shifts the reading frame from asparagine 969.
Molecular consequence: frameshift variant. On other transcripts: intron variant (137).
Genome position (GRCh38, 1-based): chr17:43,092,623-43,092,625, TAT replaced by AG on the plus strand (ATA replaced by CT on the coding strand, the reverse complement: BRCA1 is on the minus strand). VCF-style: chr17-43092623-TAT-AG. GRCh37 (hg19) VCF-style: chr17-41244640-TAT-AG.
Other names: 3025del3insCT; c.2693_2695delinsCT, p.Asn898fs (NM_001407899.1, NM_001407915.1, NM_001407916.1 and 9 more transcripts); c.2696_2698delinsCT, p.Asn899fs (NM_001407900.1, NM_001407902.1, NM_001407904.1 and 13 more transcripts); c.2783_2785delinsCT, p.Asn928fs (NM_001407919.1, NM_001407937.1, NM_001407938.1 and 19 more transcripts); c.2642_2644delinsCT, p.Asn881fs (NM_001407920.1, NM_001407921.1, NM_001407922.1 and 9 more transcripts); c.2639_2641delinsCT, p.Asn880fs (NM_001407930.1, NM_001407931.1, NM_001407932.1 and 2 more transcripts); c.2780_2782delinsCT, p.Asn927fs (NM_001407940.1, NM_001407941.1, NM_001407649.1 and 11 more transcripts); c.2765_2767delinsCT, p.Asn922fs (NM_001407942.1, NM_001407944.1, NM_001407945.1 and 29 more transcripts); and 42 more; short protein forms N922fs, N969fs, N857fs, N880fs, N943fs, N858fs, N901fs, N902fs.
Identifiers: ClinVar variation 266318 (VCV000266318.7), dbSNP rs886040084, ClinGen allele CA10589797.
Genomic context (GRCh38, chr17:43,092,623, plus strand): 5'-CAAATGACTTGATGGGAAAAAGTGGTGGTATACGATATGGGTTTTGTAAAAGTCCATGTT[TAT>AG]TTGGAGTAATGAGTCCAGTTTCGTTGCCTCTGAACTGAGATGATAGACAAAACCTAGAGC-3'